The following is an entry in ClinVar:

ClinVar aggregate classification (germline): Benign/Likely benign. Review status: criteria provided, multiple submitters, no conflicts (2 of 4 stars). 10 submissions from 10 submitters: Benign (1); Likely benign (6). 3 of the submissions do not count toward it. Last evaluated 2026-06-03.

Conditions:
Ellis-van Creveld syndrome (EVC). Also called: MESOECTODERMAL DYSPLASIA; Chondroectodermal dysplasia. Identifiers: Orphanet 289, MedGen C0013903, MONDO:0009162, OMIM 225500.
Curry-Hall syndrome (WAD). Also called: WEYERS ACRODENTAL DYSOSTOSIS. Identifiers: Orphanet 952, MedGen C0457013, MONDO:0008673, OMIM 193530.

Allele frequency attached by ClinVar (database versions not stated): 1000 Genomes Project 30x 0.00172; 1000 Genomes Project 0.00180; TOPMed 0.00201; ESP Exome Variant Server 0.00269; gnomAD 0.00314 and 0.00320; gnomAD exomes 0.00337 and 0.00372; ExAC 0.00399.
gnomAD v4.1: 5,383 of 1,614,114 alleles (0.33%); highest among the groups gnomAD compares: Non-Finnish European, 0.33%; 19 homozygotes.

Submissions (11):

Women's Health and Genetics/Laboratory Corporation of America, LabCorp
Classification: Likely benign. Last evaluated: 2026-06-03. Review status: criteria provided, single submitter. Criteria: LabCorp Variant Classification Summary - May 2015. Collection method: clinical testing. Allele origin: germline.
Comment: Variant summary: EVC2 c.2648C>T (p.Ala883Val) results in a non-conservative amino acid change in the encoded protein sequence. Algorithms developed to predict the effect of missense changes on protein structure and function are either unavailable or do not agree on the potential impact of this missense change. The variant allele was found at a frequency of 0.0037 in 251390 control chromosomes in the gnomAD database, including 5 homozygotes. The observed variant frequency exceeds the estimated maximal expected allele frequency for disease-causing variants in EVC2. To our knowledge, no occurrence of c.2648C>T in individuals affected with EVC2-related conditions and no experimental evidence demonstrating its impact on protein function have been reported. ClinVar contains an entry for this variant (Variation ID: 772198). Based on the evidence outlined above, the variant was classified as likely benign.

Labcorp Genetics (formerly Invitae), Labcorp
Classification: Benign for Curry-Hall syndrome; Ellis-van Creveld syndrome. Last evaluated: 2026-02-04. Review status: criteria provided, single submitter. Criteria: Invitae Variant Classification Sherloc (09022015). Collection method: clinical testing. Allele origin: germline.

CeGaT Center for Human Genetics Tuebingen
Classification: Likely benign. Last evaluated: 2026-02-01. Review status: criteria provided, single submitter. Criteria: CeGaT Center For Human Genetics Tuebingen Variant Classification Criteria Version 2. Collection method: clinical testing. Allele origin: germline. Affected: yes. Observed: 7 variant alleles.
Comment: EVC2: BP4, BS2

ARUP Laboratories, Molecular Genetics and Genomics, ARUP Laboratories
Classification: Likely benign. Last evaluated: 2024-08-09. Review status: criteria provided, single submitter. Criteria: ARUP Molecular Germline Variant Investigation Process 2024. Collection method: clinical testing. Allele origin: germline.

GeneDx
Classification: Likely benign. Last evaluated: 2020-08-25. Review status: criteria provided, single submitter. Criteria: GeneDx Variant Classification Process June 2021. Collection method: clinical testing. Allele origin: germline. Affected: yes.
Comment: This variant is associated with the following publications: (PMID: 32859249)

Illumina Laboratory Services, Illumina
Classification: Likely benign for Ellis-van Creveld syndrome. Last evaluated: 2018-01-13. Review status: criteria provided, single submitter. Criteria: ICSL Variant Classification Criteria 13 December 2019. Collection method: clinical testing. Allele origin: germline.
Comment: This variant was observed in the ICSL laboratory as part of a predisposition screen in an ostensibly healthy population. It had not been previously curated by ICSL or reported in the Human Gene Mutation Database (HGMD: prior to June 1st, 2018), and was therefore a candidate for classification through an automated scoring system. Utilizing variant allele frequency, disease prevalence and penetrance estimates, and inheritance mode, an automated score was calculated to assess if this variant is too frequent to cause the disease. Based on the score and internal cut-off values, a variant classified as likely benign is not then subjected to further curation. The score for this variant resulted in a classification of likely benign for this disease.

Breakthrough Genomics
Classification: Likely benign. Review status: criteria provided, single submitter. Criteria: ACMG Guidelines, 2015. Collection method: not provided. Allele origin: germline. Inheritance: Autosomal recessive inheritance. Affected: yes.

Clinical Genetics DNA and cytogenetics Diagnostics Lab, Erasmus MC, Erasmus Medical Center
Classification: Likely benign. Review status: no assertion criteria provided. Collection method: clinical testing. Allele origin: germline. Affected: yes. Study: VKGL Data-share Consensus. Not counted in ClinVar's aggregate classification.

Dr. Peter K. Rogan Lab, Western University
No classification provided (evidence only). Condition: Malignant tumor of urinary bladder. Review status: no classification provided. Collection method: in vitro. Allele origin: not applicable. Functional consequence: retained intron. Not counted in ClinVar's aggregate classification.

Genome Diagnostics Laboratory, University Medical Center Utrecht
Classification: Benign. Review status: no assertion criteria provided. Collection method: clinical testing. Allele origin: germline. Affected: yes. Study: VKGL Data-share Consensus. Not counted in ClinVar's aggregate classification.

Laboratory of Diagnostic Genome Analysis, Leiden University Medical Center (LUMC)
Classification: Likely benign. Review status: no assertion criteria provided. Collection method: clinical testing. Allele origin: germline. Affected: yes. Study: VKGL Data-share Consensus. Not counted in ClinVar's aggregate classification.

NM_147127.5(EVC2):c.2648C>T (p.Ala883Val)

Gene: EVC2 (EvC ciliary complex subunit 2; minus strand). Cytogenetic location: 4p16.2.
Variant type: single nucleotide variant.
Coding change: c.2648C>T on transcript NM_147127.5 (MANE Select); coding-DNA position 2648, C replaced by T.
Protein change: p.Ala883Val; replaces alanine 883 with valine.
Molecular consequence: missense variant.
Genome position (GRCh38, 1-based): chr4:5,618,536, G>A on the plus strand (C>T on the coding strand, the complement: EVC2 is on the minus strand). VCF-style: chr4-5618536-G-A. GRCh37 (hg19) VCF-style: chr4-5620263-G-A.
Other names: c.2408C>T, p.Ala803Val (NM_001166136.2); short protein forms A803V, A883V.
Identifiers: ClinVar variation 772198 (VCV000772198.55), dbSNP rs140951974, ClinGen allele CA2834640.